The following is an entry in ClinVar:

ClinVar aggregate classification (germline): Pathogenic/Likely pathogenic. Review status: no assertion criteria provided (0 of 4 stars). 3 submissions from 3 submitters: Pathogenic (1); Likely pathogenic (1). 1 of the submissions does not count toward it. Last evaluated 2024-05-08.

Conditions:
PRPS1-related disorder. Also called: PRPS1-related condition.
Hearing loss, X-linked 1 (DFNX1). Also called: DEAFNESS, X-LINKED 1; DEAFNESS, X-LINKED 2, SENSORINEURAL CONGENITAL; DFNX1 Nonsyndromic Hearing Loss and Deafness; DFNX1 Nonsyndromic Sensorineural Hearing Loss (DFN2). Identifiers: Orphanet 90625, MedGen C1844677, MONDO:0010577, OMIM 304500.

Submissions (3):

PreventionGenetics, part of Exact Sciences
Classification: Likely pathogenic for PRPS1-related condition. Last evaluated: 2024-05-08. Review status: no assertion criteria provided. Collection method: clinical testing. Allele origin: germline.
Comment: The PRPS1 c.916G>A variant is predicted to result in the amino acid substitution p.Gly306Arg. This variant was reported to cause nonsyndromic sensorineural deafness in a single family with five affected males and two obligate carrier females with less severe hearing loss (Liu et al. 2010. PubMed ID: 20021999; Manolis et al. 1999. PubMed ID: 10503584). This variant was found to segregate with disease in a family with hearing loss (Internal Data, PreventionGenetics). An alternate nucleotide change affecting the same amino acid (p.Gly306Glu), has been reported to segregate with hearing loss in a family with four affected males and three unaffected female carriers (Gandía et al. 2015. PubMed ID: 25785835). This variant has not been reported in a large population database, indicating this variant is rare. This variant is interpreted as likely pathogenic.

OMIM
Classification: Pathogenic for DEAFNESS, X-LINKED 1. Last evaluated: 2010-01-01. Review status: no assertion criteria provided. Collection method: literature only. Allele origin: germline.

GeneReviews
No classification provided. Condition: Hearing loss, X-linked 1. Review status: no classification provided. Collection method: literature only. Allele origin: germline. Not counted in ClinVar's aggregate classification.

Literature cited by the submitters: PubMed 10503584 (cited by OMIM); PubMed 20021999 (cited by OMIM and GeneReviews).

NM_002764.4(PRPS1):c.916G>A (p.Gly306Arg)

Gene: PRPS1 (phosphoribosyl pyrophosphate synthetase 1; plus strand). Cytogenetic location: Xq22.3.
Variant type: single nucleotide variant.
Coding change: c.916G>A on transcript NM_002764.4 (MANE Select); coding-DNA position 916, G replaced by A.
Protein change: p.Gly306Arg; replaces glycine 306 with arginine.
Molecular consequence: missense variant.
Genome position (GRCh38, 1-based): chrX:107,649,991, G>A. VCF-style: chrX-107649991-G-A. GRCh37 (hg19) VCF-style: chrX-106893221-G-A.
Other names: c.304G>A, p.Gly102Arg (NM_001204402.2); short protein forms G306R, G102R.
Identifiers: ClinVar variation 9940 (VCV000009940.3), dbSNP rs180177154, ClinGen allele CA254949.